The following is an entry in ClinVar:

NM_001384950.1(NLRC5):c.3507-51C>T

Gene: NLRC5 (NLR family CARD domain containing 5; plus strand). Cytogenetic location: 16q13.
Variant type: single nucleotide variant.
Coding change: c.3507-51C>T on transcript NM_001384950.1 (MANE Select); 51 bases into the intron before coding-DNA position 3507, C replaced by T.
Molecular consequence: intron variant.
Genome position (GRCh38, 1-based): chr16:57,054,700, C>T. VCF-style: chr16-57054700-C-T. GRCh37 (hg19) VCF-style: chr16-57088612-C-T.
Other names: c.3507-51C>T (NM_001384954.1, NM_001384953.1, NM_001384957.1 and 16 more transcripts); c.3333-51C>T (NM_001384960.1); c.3417-51C>T (NM_001384967.1, NM_001384968.1); c.3423-51C>T (NM_001384965.1); c.3267-51C>T (NM_001384972.1).
Identifiers: ClinVar variation 103181 (VCV000103181.2), dbSNP rs199475998, ClinGen allele CA230227.

ClinVar aggregate classification (germline): not provided (0 of 4 stars; one submission).

Allele frequency attached by ClinVar (database versions not stated): gnomAD 0.00003 and 0.00005; gnomAD exomes 0.00003 and 0.00007; TOPMed 0.00005; ExAC 0.00007.
gnomAD v4.1: 42 of 1,356,324 alleles (0.0031%); highest among the groups gnomAD compares: East Asian, 0.095%; no homozygotes.

Submission:

Human Evolutionary Genetics, Institut Pasteur
No classification provided. Review status: no classification provided. Collection method: not provided. Allele origin: germline.
ClinVar note: Converted during submission from untested to not provided.